The following is an entry in ClinVar:

ClinVar aggregate classification (germline): Uncertain significance (1 of 4 stars; one submission).

Submission:

CeGaT Center for Human Genetics Tuebingen
Classification: Uncertain significance. Last evaluated: 2022-12-01. Review status: criteria provided, single submitter. Criteria: CeGaT Center For Human Genetics Tuebingen Variant Classification Criteria Version 2. Collection method: clinical testing. Allele origin: germline. Affected: yes. Observed: 1 variant allele.
Comment: SIRT1: PM2, BP3

NM_012238.5(SIRT1):c.183_206dup (p.Ala72_Ala73insArgGlyCysProGlyAlaAlaAla)

Genes: SIRT1 (sirtuin 1; plus strand), LOC107832851 (SIRT1 promoter region; plus strand). Cytogenetic location: 10q21.3.
Variant type: Duplication.
Coding change: c.183_206dup on transcript NM_012238.5 (MANE Select); coding-DNA positions 183 to 206, 24 bases duplicated (GGCGGCGGCCAGGGGCTGCCCGGG).
Protein change: p.Ala72_Ala73insArgGlyCysProGlyAlaAlaAla.
Molecular consequence: inframe insertion.
Genome position (GRCh38, 1-based): chr10:67,884,904-67,884,927, GGCGGCGGCCAGGGGCTGCCCGGG duplicated. VCF-style (leftmost placement, unchanged base first): chr10-67884903-C-CGGCGGCGGCCAGGGGCTGCCCGGG. GRCh37 (hg19) VCF-style: chr10-69644661-C-CGGCGGCGGCCAGGGGCTGCCCGGG.
Identifiers: ClinVar variation 2640519 (VCV002640519.24), dbSNP rs2492881380, ClinGen allele CA2695199499.
Genomic context (GRCh38, chr10:67,884,903, plus strand): 5'-GTCCCGGCCTCGAGCGGAGCCCGGGCGAGCCCGGTGGGGCGGCCCCAGAGCGTGAGGTGC[C>CGGCGGCGGCCAGGGGCTGCCCGGG]GGCGGCGGCCAGGGGCTGCCCGGGTGCGGCGGCGGCGGCGCTGTGGCGGGAGGCGGAGGC-3'